The following is an entry in ClinVar:

NM_001563.4(IMPG1):c.1849C>T (p.Leu617Phe)

Gene: IMPG1 (interphotoreceptor matrix proteoglycan 1; minus strand). Cytogenetic location: 6q14.1.
Variant type: single nucleotide variant.
Coding change: c.1849C>T on transcript NM_001563.4 (MANE Select); coding-DNA position 1849, C replaced by T.
Protein change: p.Leu617Phe; replaces leucine 617 with phenylalanine.
Molecular consequence: missense variant.
Genome position (GRCh38, 1-based): chr6:75,947,509, G>A on the plus strand (C>T on the coding strand, the complement: IMPG1 is on the minus strand). VCF-style: chr6-75947509-G-A. GRCh37 (hg19) VCF-style: chr6-76657226-G-A.
Other names: c.1615C>T, p.Leu539Phe (NM_001282368.2); short protein forms L539F, L617F.
Identifiers: ClinVar variation 3617461 (VCV003617461.2).
Genomic context (GRCh38, chr6:75,947,509, plus strand): 5'-TATTCACAATCACACTCCCGTTTCTGAAGTTAAGTATTTCAAGTTGCTTAAATCCTGTAA[G>A]ATTGGATCGTAGATATGGAACCAGCTGCAAAATAAAAGATGGTTTCCTCTTAACTGTGTT-3'
Protein context (NP_001554.2, residues 607-627): QLLVPYLRSN[Leu617Phe]TGFKQLEILN

ClinVar aggregate classification (germline): Uncertain significance (1 of 4 stars; one submission).

gnomAD v4.1: 76 of 1,613,502 alleles (0.0047%); highest among the groups gnomAD compares: Non-Finnish European, 0.0064%; no homozygotes.

Submission:

Labcorp Genetics (formerly Invitae), Labcorp
Classification: Uncertain significance. Last evaluated: 2024-10-22. Review status: criteria provided, single submitter. Criteria: Invitae Variant Classification Sherloc (09022015). Collection method: clinical testing. Allele origin: germline.
Comment: This sequence change replaces leucine, which is neutral and non-polar, with phenylalanine, which is neutral and non-polar, at codon 617 of the IMPG1 protein (p.Leu617Phe). This variant is present in population databases (rs376390542, gnomAD 0.002%). This variant has not been reported in the literature in individuals affected with IMPG1-related conditions. An algorithm developed to predict the effect of missense changes on protein structure and function (PolyPhen-2) suggests that this variant is likely to be disruptive. In summary, the available evidence is currently insufficient to determine the role of this variant in disease. Therefore, it has been classified as a Variant of Uncertain Significance.